The following is an entry in ClinVar:

ClinVar aggregate classification (germline): Uncertain significance (1 of 4 stars; one submission).

Submission:

Labcorp Genetics (formerly Invitae), Labcorp
Classification: Uncertain significance. Last evaluated: 2022-06-25. Review status: criteria provided, single submitter. Criteria: Invitae Variant Classification Sherloc (09022015). Collection method: clinical testing. Allele origin: germline.
Comment: In summary, the available evidence is currently insufficient to determine the role of this variant in disease. Therefore, it has been classified as a Variant of Uncertain Significance. Algorithms developed to predict the effect of missense changes on protein structure and function (SIFT, PolyPhen-2, Align-GVGD) all suggest that this variant is likely to be tolerated. This variant has not been reported in the literature in individuals affected with HSPG2-related conditions. This variant is not present in population databases (gnomAD no frequency). This sequence change replaces histidine, which is basic and polar, with aspartic acid, which is acidic and polar, at codon 1180 of the HSPG2 protein (p.His1180Asp).

NM_005529.7(HSPG2):c.3538C>G (p.His1180Asp)

Gene: HSPG2 (heparan sulfate proteoglycan 2; minus strand). Cytogenetic location: 1p36.12.
Variant type: single nucleotide variant.
Coding change: c.3538C>G on transcript NM_005529.7 (MANE Select); coding-DNA position 3538, C replaced by G.
Protein change: p.His1180Asp; replaces histidine 1180 with aspartic acid.
Molecular consequence: missense variant.
Genome position (GRCh38, 1-based): chr1:21,874,524, G>C on the plus strand (C>G on the coding strand, the complement: HSPG2 is on the minus strand). VCF-style: chr1-21874524-G-C. GRCh37 (hg19) VCF-style: chr1-22201017-G-C.
Other names: c.3541C>G, p.His1181Asp (NM_001291860.2); short protein forms H1180D, H1181D.
Identifiers: ClinVar variation 1900735 (VCV001900735.5), dbSNP rs2550759284, ClinGen allele CA338960661.